The following is an entry in ClinVar:

NM_015404.4(WHRN):c.1417-3C>T

Gene: WHRN (whirlin; minus strand). Cytogenetic location: 9q32.
Variant type: single nucleotide variant.
Coding change: c.1417-3C>T on transcript NM_015404.4 (MANE Select); 3 bases into the intron before coding-DNA position 1417, C replaced by T.
Molecular consequence: intron variant.
Genome position (GRCh38, 1-based): chr9:114,423,526, G>A on the plus strand (C>T on the coding strand, the complement: WHRN is on the minus strand). VCF-style: chr9-114423526-G-A. GRCh37 (hg19) VCF-style: chr9-117185806-G-A.
Other names: c.1417-3C>T (NM_001173425.2); c.268-3C>T (NM_001083885.3); c.364-3C>T (NM_001346890.1).
Identifiers: ClinVar variation 2108604 (VCV002108604.4), dbSNP rs1403660908, ClinGen allele CA590500577.

ClinVar aggregate classification (germline): Uncertain significance (1 of 4 stars; one submission).

Allele frequency attached by ClinVar (database versions not stated): gnomAD exomes below 0.00001.
gnomAD v4.1: 2 of 1,603,696 alleles (0.00012%); highest among the groups gnomAD compares: East Asian, 0.0045%; no homozygotes.

Submission:

Labcorp Genetics (formerly Invitae), Labcorp
Classification: Uncertain significance. Last evaluated: 2022-07-05. Review status: criteria provided, single submitter. Criteria: Invitae Variant Classification Sherloc (09022015). Collection method: clinical testing. Allele origin: germline.
Comment: In summary, the available evidence is currently insufficient to determine the role of this variant in disease. Therefore, it has been classified as a Variant of Uncertain Significance. Variants that disrupt the consensus splice site are a relatively common cause of aberrant splicing (PMID: 17576681, 9536098). Algorithms developed to predict the effect of sequence changes on RNA splicing suggest that this variant is not likely to affect RNA splicing. This variant has not been reported in the literature in individuals affected with WHRN-related conditions. The frequency data for this variant in the population databases is considered unreliable, as metrics indicate poor data quality at this position in the gnomAD database. This sequence change falls in intron 6 of the WHRN gene. It does not directly change the encoded amino acid sequence of the WHRN protein. It affects a nucleotide within the consensus splice site.

Literature cited by the submitters: PubMed 17576681; PubMed 9536098.